The following is an entry in ClinVar:

ClinVar aggregate classification (germline): Pathogenic/Likely pathogenic. Review status: criteria provided, multiple submitters, no conflicts (2 of 4 stars). 2 submissions from 2 submitters: Pathogenic (1); Likely pathogenic (1). Last evaluated 2025-06-26.

Conditions:
Frontotemporal dementia and/or amyotrophic lateral sclerosis 1 (FTDALS1). Also called: Frontotemporal dementia with motor neuron disease 1; C9orf72 Frontotemporal Dementia and/or Amyotrophic Lateral Sclerosis. Identifiers: Orphanet 275872, MedGen C5779877, MONDO:0007105, OMIM 105550.
Paget disease of bone 2, early-onset (PDB2). Also called: Paget disease of bone 2. Identifiers: MedGen C4085251, MONDO:0011183, OMIM 602080.
SQSTM1-related multisystem proteinopathy. Identifiers: MedGen CN375925, MONDO:0800464.

Submissions (2):

Victorian Clinical Genetics Services, Murdoch Childrens Research Institute
Classification: Likely pathogenic for SQSTM1-related multisystem proteinopathy. Last evaluated: 2025-06-26. Review status: criteria provided, single submitter. Criteria: ACMG Guidelines, 2015. Collection method: clinical testing. Allele origin: germline. Affected: yes.
Comment: This variant is classified as Likely pathogenic. Evidence in support of pathogenic classification: Canonical splice site variant without proven consequence on splicing (no functional evidence available); Variant is absent from gnomAD (v2, v3 and v4); This variant has limited previous evidence of pathogenicity in unrelated individual(s). This variant has been classified as pathogenic by a clinical laboratory in ClinVar, identified in a heterozygous individual undergoing testing for ALS (PMID: 39044379). It has also been reported in the literature in a compound heterozygous individual with dystonia, cognitive and motor disturbances and cerebellar atrophy (PMID: 30638816); Another canonical splice variant comparable to the one identified in this case has limited previous evidence for pathogenicity. c.301+2T>A has been reported homozygous in two brothers, both with an early-onset, progressive neurodegenerative disorder (PMID: 29959261); Abnormal splicing is predicted by in silico tool and affected nucleotide is highly conserved. Additional information: This variant is heterozygous; This gene is associated with both recessive and dominant disease. This gene is associated with autosomal dominant SQSTM1-related multisystem proteinopathy (MONDO:0800464) and autosomal recessive neurodegeneration with ataxia, dystonia, and gaze palsy, childhood-onset (MIM#617145); Alternative nucleotide change(s) at the same canonical splice site are present in gnomAD (Highest allele count: v4: 4 heterozygote(s), 0 homozygote(s)); No published segregation evidence has been identified for this variant; No published functional evidence has been identified for this variant; Loss of function is a known mechanism of disease in this gene and is associated with neurodegeneration with ataxia, dystonia, and gaze palsy, childhood-onset (MIM#617145). The mechanism of disease for dominant SQSTM1-related multisystem proteinopathy (MONDO:0800464) is suspected to be loss of function however dominant negative has not been excluded (PMIDs: 27554286, 31362587, 28490746). - The condition associated with this gene has incomplete penetrance (PMID: 23942205); Inheritance information for this variant is not currently available in this individual.

Labcorp Genetics (formerly Invitae), Labcorp
Classification: Pathogenic for Paget disease of bone 2, early-onset; Frontotemporal dementia and/or amyotrophic lateral sclerosis 1. Last evaluated: 2021-11-03. Review status: criteria provided, single submitter. Criteria: Invitae Variant Classification Sherloc (09022015). Collection method: clinical testing. Allele origin: germline.
Comment: For these reasons, this variant has been classified as Pathogenic. Studies have shown that disruption of this splice site results in skipping of exon 2, but is expected to preserve the integrity of the reading-frame (PMID: 29959261). Disruption of this splice site has been observed in individuals with neurodegeneration with ataxia, dystonia, and gaze palsy (PMID: 29959261, 30638816). It has also been observed to segregate with disease in related individuals. This variant is not present in population databases (gnomAD no frequency). This sequence change affects a donor splice site in intron 2 of the SQSTM1 gene. RNA analysis indicates that disruption of this splice site induces altered splicing and likely results in a shortened protein product.

Literature cited by the submitters: PubMed 29959261 (cited by Victorian Clinical Genetics Services, Murdoch Childrens Research Institute and Labcorp Genetics (formerly Invitae), Labcorp); PubMed 23942205 (cited by Victorian Clinical Genetics Services, Murdoch Childrens Research Institute); PubMed 39044379 (cited by Victorian Clinical Genetics Services, Murdoch Childrens Research Institute); PubMed 28490746 (cited by Victorian Clinical Genetics Services, Murdoch Childrens Research Institute); PubMed 31362587 (cited by Victorian Clinical Genetics Services, Murdoch Childrens Research Institute); PubMed 27554286 (cited by Victorian Clinical Genetics Services, Murdoch Childrens Research Institute); PubMed 30638816 (cited by Victorian Clinical Genetics Services, Murdoch Childrens Research Institute and Labcorp Genetics (formerly Invitae), Labcorp).

NM_003900.5(SQSTM1):c.301+1G>T

Gene: SQSTM1 (sequestosome 1; plus strand). Cytogenetic location: 5q35.3.
Variant type: single nucleotide variant.
Coding change: c.301+1G>T on transcript NM_003900.5 (MANE Select); the canonical splice donor site of the intron after coding-DNA position 301, G replaced by T.
Molecular consequence: splice donor variant.
Genome position (GRCh38, 1-based): chr5:179,823,054, G>T. VCF-style: chr5-179823054-G-T. GRCh37 (hg19) VCF-style: chr5-179250054-G-T.
Other names: c.49+1G>T (NM_001142298.2, NM_001142299.2).
Identifiers: ClinVar variation 1387627 (VCV001387627.7), dbSNP rs2113485289, ClinGen allele CA362443278.